The following is an entry in ClinVar:

ClinVar aggregate classification (germline): Uncertain significance (1 of 4 stars; one submission).

Submission:

GeneDx
Classification: Uncertain significance. Last evaluated: 2025-07-10. Review status: criteria provided, single submitter. Criteria: GeneDx Variant Classification Process June 2021. Collection method: clinical testing. Allele origin: germline. Affected: yes.
Comment: Not observed at significant frequency in large population cohorts (gnomAD); In silico analysis supports that this missense variant has a deleterious effect on protein structure/function; Has not been previously published as pathogenic or benign to our knowledge

NM_015425.6(POLR1A):c.1964A>G (p.Glu655Gly)

Gene: POLR1A (RNA polymerase I subunit A; minus strand). Cytogenetic location: 2p11.2.
Variant type: single nucleotide variant.
Coding change: c.1964A>G on transcript NM_015425.6 (MANE Select); coding-DNA position 1964, A replaced by G.
Protein change: p.Glu655Gly; replaces glutamic acid 655 with glycine.
Molecular consequence: missense variant.
Genome position (GRCh38, 1-based): chr2:86,065,368, T>C on the plus strand (A>G on the coding strand, the complement: POLR1A is on the minus strand). VCF-style: chr2-86065368-T-C. GRCh37 (hg19) VCF-style: chr2-86292491-T-C.
Other names: short protein forms E655G.
Identifiers: ClinVar variation 4685033 (VCV004685033.1).
Genomic context (GRCh38, chr2:86,065,368, plus strand): 5'-ATGGAAGGAGAAAGGAGCTTCACGCGCCCCACTTTGTCCGTGAGTCCTCGGTACACCAGC[T>C]CCATATAGTGCTCCCGGGTGAAAAAGCAACCCCGAGTAGTCATGCTTGCCCCTGAAACCA-3'
Protein context (NP_056240.2, residues 645-665): GCFFTREHYM[Glu655Gly]LVYRGLTDKV